The following is an entry in ClinVar:

NM_015107.3(PHF8):c.1909+5G>T

Gene: PHF8 (PHD finger protein 8; minus strand). Cytogenetic location: Xp11.22.
Variant type: single nucleotide variant.
Coding change: c.1909+5G>T on transcript NM_015107.3 (MANE Select); 5 bases into the intron after coding-DNA position 1909, G replaced by T.
Molecular consequence: intron variant.
Genome position (GRCh38, 1-based): chrX:53,987,761, C>A on the plus strand (G>T on the coding strand, the complement: PHF8 is on the minus strand). VCF-style: chrX-53987761-C-A. GRCh37 (hg19) VCF-style: chrX-54014194-C-A.
Other names: c.2017+5G>T (NM_001184896.1); c.1606+5G>T (NM_001184897.2); c.1909+5G>T (NM_001184898.2).
Identifiers: ClinVar variation 3897278 (VCV003897278.2).

ClinVar aggregate classification (germline): Uncertain significance (1 of 4 stars; one submission).

Submission:

GeneDx
Classification: Uncertain significance. Last evaluated: 2025-09-09. Review status: criteria provided, single submitter. Criteria: GeneDx Variant Classification Process June 2021. Collection method: clinical testing. Allele origin: germline.
Comment: Not observed at significant frequency in large population cohorts (gnomAD); In silico analysis is inconclusive as to whether the variant alters gene splicing. In the absence of RNA/functional studies, the actual effect of this sequence change is unknown.; Has not been previously published as pathogenic or benign to our knowledge